The following is an entry in ClinVar:

ClinVar aggregate classification (germline): Uncertain significance (1 of 4 stars; one submission).

Conditions:
Mitochondrial complex II deficiency, nuclear type 1. Also called: SUCCINATE CoQ REDUCTASE DEFICIENCY. Identifiers: Orphanet 3208, MedGen C5700310, MONDO:0100294, OMIM 252011.
Pheochromocytoma/paraganglioma syndrome 5. Also called: Paragangliomas 5; SDHA-Related Hereditary Paraganglioma-Pheochromocytoma Syndrome. Identifiers: Orphanet 29072, MedGen C3279992, MONDO:0013602, OMIM 614165.

Submission:

Labcorp Genetics (formerly Invitae), Labcorp
Classification: Uncertain significance for Pheochromocytoma/paraganglioma syndrome 5; Mitochondrial complex II deficiency, nuclear type 1. Last evaluated: 2022-01-26. Review status: criteria provided, single submitter. Criteria: Invitae Variant Classification Sherloc (09022015). Collection method: clinical testing. Allele origin: germline.
Comment: In summary, the available evidence is currently insufficient to determine the role of this variant in disease. Therefore, it has been classified as a Variant of Uncertain Significance. Variants that disrupt the consensus splice site are a relatively common cause of aberrant splicing (PMID: 17576681, 9536098). Algorithms developed to predict the effect of sequence changes on RNA splicing suggest that this variant is not likely to affect RNA splicing. ClinVar contains an entry for this variant (Variation ID: 939107). This variant has not been reported in the literature in individuals affected with SDHA-related conditions. This variant is not present in population databases (gnomAD no frequency). This sequence change falls in intron 10 of the SDHA gene. It does not directly change the encoded amino acid sequence of the SDHA protein. It affects a nucleotide within the consensus splice site.

Literature cited by the submitters: PubMed 17576681; PubMed 9536098.

NM_004168.4(SDHA):c.1433-3T>C

Gene: SDHA (succinate dehydrogenase complex flavoprotein subunit A; plus strand). Cytogenetic location: 5p15.33.
Variant type: single nucleotide variant.
Coding change: c.1433-3T>C on transcript NM_004168.4 (MANE Select); 3 bases into the intron before coding-DNA position 1433, T replaced by C.
Molecular consequence: intron variant.
Genome position (GRCh38, 1-based): chr5:240,355, T>C. VCF-style: chr5-240355-T-C. GRCh37 (hg19) VCF-style: chr5-240470-T-C.
Other names: c.1433-3T>C (NM_001330758.2); c.1289-3T>C (NM_001294332.2).
Identifiers: ClinVar variation 939107 (VCV000939107.10), dbSNP rs1736060812, ClinGen allele CA1139658730.